The following is an entry in ClinVar:

NM_001018113.3(FANCB):c.1897C>T (p.Leu633=)

Gene: FANCB (FA complementation group B; minus strand). Cytogenetic location: Xp22.2.
Variant type: single nucleotide variant.
Coding change: c.1897C>T on transcript NM_001018113.3 (MANE Select); coding-DNA position 1897, C replaced by T.
Protein change: p.Leu633=; no amino-acid change (leucine 633 retained).
Molecular consequence: synonymous variant.
Genome position (GRCh38, 1-based): chrX:14,844,886, G>A on the plus strand (C>T on the coding strand, the complement: FANCB is on the minus strand). VCF-style: chrX-14844886-G-A. GRCh37 (hg19) VCF-style: chrX-14863008-G-A.
Other names: c.1897C>T, p.Leu633= (NM_001324162.2, NM_001410764.1, NM_152633.4).
Identifiers: ClinVar variation 4871955 (VCV004871955.2).

ClinVar aggregate classification (germline): Likely benign (1 of 4 stars; one submission).

Submission:

CeGaT Center for Human Genetics Tuebingen
Classification: Likely benign. Last evaluated: 2026-06-01. Review status: criteria provided, single submitter. Criteria: CeGaT Center For Human Genetics Tuebingen Variant Classification Criteria Version 2. Collection method: clinical testing. Allele origin: germline. Affected: yes. Observed: 1 variant allele.
Comment: FANCB: PM2:Supporting, BP4, BP7